The following is an entry in ClinVar:

NM_001368809.2(AMPD2):c.42del (p.Lys14fs)

Genes: AMPD2 (adenosine monophosphate deaminase 2; plus strand), LOC129931109 (ATAC-STARR-seq lymphoblastoid active region 1448; plus strand). Cytogenetic location: 1p13.3.
Variant type: Deletion.
Coding change: c.42del on transcript NM_001368809.2 (MANE Select); coding-DNA position 42, one base deleted (A; older notation c.42delA).
Protein change: p.Lys14fs; shifts the reading frame from lysine 14.
Molecular consequence: frameshift variant. On other transcripts: intron variant (1).
Genome position (GRCh38, 1-based): chr1:109,621,217, A deleted; the last of 3 consecutive A bases (chr1:109,621,215-109,621,217); deleting any one gives the same sequence. VCF-style (leftmost placement, unchanged base first): chr1-109621214-CA-C. GRCh37 (hg19) VCF-style: chr1-110163836-CA-C.
Other names: c.110del, p.Asn37fs (NM_001308170.1); c.42del, p.Lys14fs (NM_004037.9); c.10+939del (NM_139156.4); short protein forms K14fs, N37fs.
Identifiers: ClinVar variation 3758013 (VCV003758013.2).
Genomic context (GRCh38, chr1:109,621,214, plus strand): 5'-TGTCGCCGCCGTGGTCCCAGCCATGGCATCCTATCCATCTGGCTCTGGCAAGCCCAAGGC[CA>C]AATATCCCTTTAAGAAGCGGGCCAGCCTGCAGGCCTCCACTGCAGCTCCAGGTGAGTGTG-3'

ClinVar aggregate classification (germline): Pathogenic (1 of 4 stars; one submission).

Conditions:
Pontocerebellar hypoplasia type 9. Identifiers: Orphanet 369920, MedGen C4014354, MONDO:0014351, OMIM 615809.
Hereditary spastic paraplegia 63. Also called: Spastic paraplegia 63, autosomal recessive. Identifiers: Orphanet 401805, MedGen C3810295, MONDO:0014305, OMIM 615686.

Submission:

Labcorp Genetics (formerly Invitae), Labcorp
Classification: Pathogenic for Pontocerebellar hypoplasia type 9; Hereditary spastic paraplegia 63. Last evaluated: 2024-10-29. Review status: criteria provided, single submitter. Criteria: Invitae Variant Classification Sherloc (09022015). Collection method: clinical testing. Allele origin: germline.
Comment: This sequence change creates a premature translational stop signal (p.Lys68Asnfs*119) in the AMPD2 gene. It is expected to result in an absent or disrupted protein product. Loss-of-function variants in AMPD2 are known to be pathogenic (PMID: 23911318). This variant is not present in population databases (gnomAD no frequency). This variant has not been reported in the literature in individuals affected with AMPD2-related conditions. For these reasons, this variant has been classified as Pathogenic.

Literature cited by the submitters: PubMed 23911318.